The following is an entry in ClinVar:

ClinVar aggregate classification (germline): Uncertain significance. Review status: criteria provided, multiple submitters, no conflicts (2 of 4 stars). 4 submissions from 4 submitters: Uncertain significance (4). Last evaluated 2026-01-31.

Conditions:
Dilated cardiomyopathy 1JJ (CMD1JJ). Identifiers: Orphanet 154, MedGen C3808935, MONDO:0014095, OMIM 615235.
Cardiovascular phenotype. Identifiers: MedGen CN230736.

Allele frequency attached by ClinVar (database versions not stated): TOPMed 0.00002; gnomAD 0.00003 and 0.00004; ExAC 0.00004; gnomAD exomes 0.00004 and 0.00005; ESP Exome Variant Server 0.00008.
gnomAD v4.1: 75 of 1,613,924 alleles (0.0046%); highest among the groups gnomAD compares: Non-Finnish European, 0.0056%; no homozygotes.

Submissions (4):

Labcorp Genetics (formerly Invitae), Labcorp
Classification: Uncertain significance for Dilated cardiomyopathy 1JJ. Last evaluated: 2026-01-31. Review status: criteria provided, single submitter. Criteria: Invitae Variant Classification Sherloc (09022015). Collection method: clinical testing. Allele origin: germline.
Comment: This sequence change replaces glycine, which is neutral and non-polar, with arginine, which is basic and polar, at codon 608 of the LAMA4 protein (p.Gly608Arg). This variant is present in population databases (rs377499201, gnomAD 0.008%). This variant has not been reported in the literature in individuals affected with LAMA4-related conditions. ClinVar contains an entry for this variant (Variation ID: 654405). Invitae Evidence Modeling of protein sequence and biophysical properties (such as structural, functional, and spatial information, amino acid conservation, physicochemical variation, residue mobility, and thermodynamic stability) has been performed for this missense variant. However, the output from this modeling did not meet the statistical confidence thresholds required to predict the impact of this variant on LAMA4 protein function. In summary, the available evidence is currently insufficient to determine the role of this variant in disease. Therefore, it has been classified as a Variant of Uncertain Significance.

Ambry Genetics
Classification: Uncertain significance for Cardiovascular phenotype. Last evaluated: 2025-01-21. Review status: criteria provided, single submitter. Criteria: Ambry Variant Classification Scheme 2023. Collection method: clinical testing. Allele origin: germline.
Comment: The p.G608R variant (also known as c.1822G>A), located in coding exon 14 of the LAMA4 gene, results from a G to A substitution at nucleotide position 1822. The glycine at codon 608 is replaced by arginine, an amino acid with dissimilar properties. This amino acid position is highly conserved in available vertebrate species. In addition, the in silico prediction for this alteration is inconclusive. Since supporting evidence is limited at this time, the clinical significance of this alteration remains unclear.

Fulgent Genetics
Classification: Uncertain significance for Dilated cardiomyopathy 1JJ. Last evaluated: 2021-10-06. Review status: criteria provided, single submitter. Criteria: ACMG Guidelines, 2015. Collection method: clinical testing. Allele origin: unknown.

GeneDx
Classification: Uncertain significance. Last evaluated: 2019-12-16. Review status: criteria provided, single submitter. Criteria: GeneDx Variant Classification Process June 2021. Collection method: clinical testing. Allele origin: germline. Affected: yes.
Comment: Has not been previously published as pathogenic or benign to our knowledge; In silico analysis, which includes protein predictors and evolutionary conservation, supports that this variant does not alter protein structure/function

NM_001105206.3(LAMA4):c.1843G>A (p.Gly615Arg)

Gene: LAMA4 (laminin subunit alpha 4; minus strand). Cytogenetic location: 6q21.
Variant type: single nucleotide variant.
Coding change: c.1843G>A on transcript NM_001105206.3 (MANE Select); coding-DNA position 1843, G replaced by A.
Protein change: p.Gly615Arg; replaces glycine 615 with arginine.
Molecular consequence: missense variant.
Genome position (GRCh38, 1-based): chr6:112,155,681, C>T on the plus strand (G>A on the coding strand, the complement: LAMA4 is on the minus strand). VCF-style: chr6-112155681-C-T. GRCh37 (hg19) VCF-style: chr6-112476883-C-T.
Other names: c.1822G>A, p.Gly608Arg (NM_001105207.3, NM_002290.5); short protein forms G615R, G608R.
Identifiers: ClinVar variation 654405 (VCV000654405.13), dbSNP rs377499201, ClinGen allele CA3965650.